The following is an entry in ClinVar:

ClinVar aggregate classification (germline): Uncertain significance (1 of 4 stars; one submission).

Allele frequency attached by ClinVar (database versions not stated): gnomAD exomes 0.00001; ExAC 0.00002; gnomAD 0.00007 and 0.00010; TOPMed 0.00008; ESP Exome Variant Server 0.00015.
gnomAD v4.1: 20 of 1,614,076 alleles (0.0012%); highest among the groups gnomAD compares: African/African-American, 0.023%; no homozygotes.

Submission:

Labcorp Genetics (formerly Invitae), Labcorp
Classification: Uncertain significance. Last evaluated: 2022-10-13. Review status: criteria provided, single submitter. Criteria: Invitae Variant Classification Sherloc (09022015). Collection method: clinical testing. Allele origin: germline.
Comment: This sequence change replaces phenylalanine, which is neutral and non-polar, with serine, which is neutral and polar, at codon 183 of the PHYH protein (p.Phe183Ser). This variant is present in population databases (rs139392108, gnomAD 0.02%). This variant has not been reported in the literature in individuals affected with PHYH-related conditions. ClinVar contains an entry for this variant (Variation ID: 940352). Advanced modeling of protein sequence and biophysical properties (such as structural, functional, and spatial information, amino acid conservation, physicochemical variation, residue mobility, and thermodynamic stability) performed at Invitae indicates that this missense variant is expected to disrupt PHYH protein function. In summary, the available evidence is currently insufficient to determine the role of this variant in disease. Therefore, it has been classified as a Variant of Uncertain Significance.

NM_006214.4(PHYH):c.548T>C (p.Phe183Ser)

Gene: PHYH (phytanoyl-CoA 2-hydroxylase; minus strand). Cytogenetic location: 10p13.
Variant type: single nucleotide variant.
Coding change: c.548T>C on transcript NM_006214.4 (MANE Select); coding-DNA position 548, T replaced by C.
Protein change: p.Phe183Ser; replaces phenylalanine 183 with serine.
Molecular consequence: missense variant. On other transcripts: intron variant (1).
Genome position (GRCh38, 1-based): chr10:13,288,490, A>G on the plus strand (T>C on the coding strand, the complement: PHYH is on the minus strand). VCF-style: chr10-13288490-A-G. GRCh37 (hg19) VCF-style: chr10-13330490-A-G.
Other names: c.248T>C, p.Phe83Ser (NM_001037537.2, NM_001323080.2); c.554T>C, p.Phe185Ser (NM_001323082.2); c.254T>C, p.Phe85Ser (NM_001323084.2); c.415-4651T>C (NM_001323083.2); short protein forms F185S, F183S, F83S, F85S.
Identifiers: ClinVar variation 940352 (VCV000940352.7), dbSNP rs139392108, ClinGen allele CA5412320.
Genomic context (GRCh38, chr10:13,288,490, plus strand): 5'-TTGTTCCGGCTGATGTGCTCCATCGCCGTCCAGGCGCAAACGATGAGATCGCTGGGCCTG[A>G]AGGGGAAATAGTGCAGGTCCTGGTGCAGGGGGTGACGGGACGTCTTCTTGCCTGAAAAGA-3'
Protein context (NP_006205.1, residues 173-193): PLHQDLHYFP[Phe183Ser]RPSDLIVCAW